The following is an entry in ClinVar:

ClinVar aggregate classification (germline): Likely pathogenic (1 of 4 stars; one submission).

Conditions:
Dilated cardiomyopathy 1G (CMD1G). Identifiers: Orphanet 154, MedGen C1858763, MONDO:0011400, OMIM 604145.
Autosomal recessive limb-girdle muscular dystrophy type 2J (LGMDR10). Also called: Limb-girdle muscular dystrophy, type 2J; MUSCULAR DYSTROPHY, LIMB-GIRDLE, AUTOSOMAL RECESSIVE 10. Identifiers: Orphanet 140922, MedGen C1837342, MONDO:0012127, OMIM 608807.

Submission:

Labcorp Genetics (formerly Invitae), Labcorp
Classification: Likely pathogenic for Dilated cardiomyopathy 1G; Autosomal recessive limb-girdle muscular dystrophy type 2J. Last evaluated: 2025-06-29. Review status: criteria provided, single submitter. Criteria: Invitae Variant Classification Sherloc (09022015). Collection method: clinical testing. Allele origin: germline.
Comment: This sequence change creates a premature translational stop signal (p.Gln20194Argfs*11) in the TTN gene. While this is not anticipated to result in nonsense mediated decay, it is expected to create a truncated TTN protein. This variant is not present in population databases (gnomAD no frequency). This variant has not been reported in the literature in individuals affected with TTN-related conditions. ClinVar contains an entry for this variant (Variation ID: 573091). This variant is located in the A band of TTN (PMID: 25589632). Truncating variants in this region are significantly overrepresented in patients affected with dilated cardiomyopathy (PMID: 25589632). Truncating variants in this region have also been reported in individuals affected with autosomal recessive centronuclear myopathy (PMID: 23975875). In summary, the currently available evidence indicates that the variant is pathogenic, but additional data are needed to prove that conclusively. Therefore, this variant has been classified as Likely Pathogenic.

Literature cited by the submitters: PubMed 25589632; PubMed 23975875.

NM_001267550.2(TTN):c.60581del (p.Gln20194fs)

Genes: TTN-AS1 (TTN antisense RNA 1; plus strand), TTN (titin; minus strand). Cytogenetic location: 2q31.2.
Variant type: Deletion.
Coding change: c.60581del on transcript NM_001267550.2 (MANE Select); coding-DNA position 60581, one base deleted (A; older notation c.60581delA).
Protein change: p.Gln20194fs; shifts the reading frame from glutamine 20194.
Molecular consequence: frameshift variant. On other transcripts: non-coding transcript variant (1).
Genome position (GRCh38, 1-based): chr2:178,591,144, T deleted on the plus strand (A on the coding strand, the reverse complement: TTN is on the minus strand). VCF-style (leftmost placement, unchanged base first): chr2-178591143-CT-C. GRCh37 (hg19) VCF-style: chr2-179455870-CT-C.
Other names: c.55658del, p.Gln18553fs (NM_001256850.1); c.33386del, p.Gln11129fs (NM_003319.4); c.52877del, p.Gln17626fs (NM_133378.4); c.33761del, p.Gln11254fs (NM_133432.3); c.33962del, p.Gln11321fs (NM_133437.4); c.60581delA (NM_001267550.2); short protein forms Q11254fs, Q17626fs, Q20194fs, Q11129fs, Q11321fs, Q18553fs.
Identifiers: ClinVar variation 573091 (VCV000573091.9), dbSNP rs1559589139, ClinGen allele CA891843232.